The following is an entry in ClinVar:

ClinVar aggregate classification (germline): Uncertain significance (1 of 4 stars; one submission).

Conditions:
Glycogen storage disease, type V (GSD5). Also called: McArdle type glycogen storage disease; MCARDLE DISEASE; MUSCLE GLYCOGEN PHOSPHORYLASE DEFICIENCY; MYOPHOSPHORYLASE DEFICIENCY; PYGM DEFICIENCY. Identifiers: Orphanet 368, MedGen C0017924, MONDO:0009293, OMIM 232600.

Submission:

Myriad Genetics, Inc.
Classification: Uncertain significance for Glycogen storage disease, type V. Last evaluated: 2026-07-09. Review status: criteria provided, single submitter. Criteria: Myriad Autosomal Dominant, Autosomal Recessive and X-Linked Classification Criteria (2023). Collection method: clinical testing. Allele origin: unknown.
Comment: NM_005609.2(PYGM):c.188_190delACC(H63del) is an in-frame deletion classified as a variant of uncertain significance in the context of glycogen storage disease, PYGM-related. H63del has not been observed in cases with relevant disease. Relevant functional assessments of this variant are not available in the literature. H63del has not been observed in referenced population frequency databases. In summary, there is insufficient evidence to classify NM_005609.2(PYGM):c.188_190delACC(H63del) as pathogenic or benign. Please note: this variant was assessed in the context of healthy population screening.

NM_005609.4(PYGM):c.185ACC[1] (p.His63del)

Gene: PYGM (glycogen phosphorylase, muscle associated; minus strand). Cytogenetic location: 11q13.1.
Variant type: Microsatellite.
Coding change: c.185ACC[1] on transcript NM_005609.4 (MANE Select); one copy of the 3-base unit ACC starting at c.185; the reference has two copies in a row; one copy, 3 bases deleted.
Protein change: p.His63del; deletes histidine 63.
Molecular consequence: inframe deletion.
Genome position (GRCh38, 1-based): chr11:64,759,709-64,759,711, GGT deleted on the plus strand (ACC on the coding strand, the reverse complement: PYGM is on the minus strand); deleting any 3 consecutive bases within chr11:64,759,709-64,759,714 gives the same sequence; the position shown is the placement nearest the transcript's 3' end. VCF-style (leftmost placement, unchanged base first): chr11-64759708-AGGT-A. GRCh37 (hg19) VCF-style: chr11-64527180-AGGT-A.
Other names: c.185ACC[1], p.His63del (NM_001164716.1); short protein forms H63del.
Identifiers: ClinVar variation 5004770 (VCV005004770.1).
Genomic context (GRCh38, chr11:64,759,708, plus strand): 5'-AGCAGCACCTTGGGGTCCTTCTCATAGTAGTGCTGCTGCGTGCGGATCCAGCGCCCCACG[AGGT>A]GGTCGCGCACGGTATGGGCCAGAGCAAAGTAGTAGTCTCGTGGGGTGGCCACATTGCGGT-3'